The following is an entry in ClinVar:

NM_000302.4(PLOD1):c.135G>A (p.Lys45=)

Gene: PLOD1 (procollagen-lysine,2-oxoglutarate 5-dioxygenase 1; plus strand). Cytogenetic location: 1p36.22.
Variant type: single nucleotide variant.
Coding change: c.135G>A on transcript NM_000302.4 (MANE Select); coding-DNA position 135, G replaced by A.
Protein change: p.Lys45=; no amino-acid change (lysine 45 retained).
Molecular consequence: synonymous variant.
Genome position (GRCh38, 1-based): chr1:11,948,034, G>A. VCF-style: chr1-11948034-G-A. GRCh37 (hg19) VCF-style: chr1-12008091-G-A.
Other names: c.276G>A, p.Lys92= (NM_001316320.2).
Identifiers: ClinVar variation 529356 (VCV000529356.14), dbSNP rs765354146, ClinGen allele CA597799.
Genomic context (GRCh38, chr1:11,948,034, plus strand): 5'-AGACAACCTTTTAGTCCTCACGGTGGCCACTAAGGAGACCGAGGGATTCCGTCGCTTCAA[G>A]CGCTCAGCTCAGTTCTTCAACTACAAGATCCAGGTAAGGGGTTTCCTGGGTGAGGCAGAG-3'
Protein context (NP_000293.2, residues 35-55): TKETEGFRRF[Lys45=]RSAQFFNYKI

ClinVar aggregate classification (germline): Likely benign. Review status: criteria provided, multiple submitters, no conflicts (2 of 4 stars). 5 submissions from 5 submitters: Likely benign (4). 1 of the submissions does not count toward it. Last evaluated 2025-09-24.

Conditions:
PLOD1-related disorder. Also called: PLOD1-related condition.
Ehlers-Danlos syndrome, kyphoscoliotic type 1 (EDSKSCL1). Also called: EHLERS-DANLOS SYNDROME, TYPE VIA; PLOD1-Related Kyphoscoliotic Ehlers-Danlos Syndrome; Ehlers-Danlos syndrome, hydroxylysine-deficient; EHLERS-DANLOS SYNDROME, OCULAR-SCOLIOTIC TYPE. Identifiers: Orphanet 1900, MedGen C0268342, MONDO:0016002, OMIM 225400. Disease mechanism: loss of function.
Familial thoracic aortic aneurysm and aortic dissection (TAAD). Also called: Thoracic aortic aneurysms and dissections. Identifiers: Orphanet 91387, MedGen C4707243, MONDO:0019625.

Allele frequency attached by ClinVar (database versions not stated): gnomAD 0.00001; TOPMed 0.00002; ExAC 0.00004; gnomAD exomes 0.00004 and 0.00006.
gnomAD v4.1: 86 of 1,613,812 alleles (0.0053%); highest among the groups gnomAD compares: Non-Finnish European, 0.0072%; no homozygotes.

Submissions (5):

Labcorp Genetics (formerly Invitae), Labcorp
Classification: Likely benign for Ehlers-Danlos syndrome, kyphoscoliotic type 1. Last evaluated: 2025-09-24. Review status: criteria provided, single submitter. Criteria: Invitae Variant Classification Sherloc (09022015). Collection method: clinical testing. Allele origin: germline.

Women's Health and Genetics/Laboratory Corporation of America, LabCorp
Classification: Likely benign. Last evaluated: 2025-07-09. Review status: criteria provided, single submitter. Criteria: LabCorp Variant Classification Summary - May 2015. Collection method: clinical testing. Allele origin: germline.

Ambry Genetics
Classification: Likely benign for Familial thoracic aortic aneurysm and aortic dissection. Last evaluated: 2024-07-30. Review status: criteria provided, single submitter. Criteria: Ambry Variant Classification Scheme 2023. Collection method: clinical testing. Allele origin: germline.

GeneDx
Classification: Likely benign. Last evaluated: 2019-04-17. Review status: criteria provided, single submitter. Criteria: GeneDx Variant Classification Process June 2021. Collection method: clinical testing. Allele origin: germline. Affected: yes.

PreventionGenetics, part of Exact Sciences
Classification: Likely benign for PLOD1-related condition. Last evaluated: 2022-04-27. Review status: no assertion criteria provided. Collection method: clinical testing. Allele origin: germline. Not counted in ClinVar's aggregate classification.
Comment: This variant is classified as likely benign based on ACMG/AMP sequence variant interpretation guidelines (Richards et al. 2015 PMID: 25741868, with internal and published modifications).